The following is an entry in ClinVar:

ClinVar aggregate classification (germline): Uncertain significance. Review status: criteria provided, multiple submitters, no conflicts (2 of 4 stars). 2 submissions from 2 submitters: Uncertain significance (2). Last evaluated 2025-12-30.

Conditions:
Neuropathy, hereditary sensory and autonomic, type 2A (HSAN2A). Also called: HSAN IIA; ACROOSTEOLYSIS, GIACCAI TYPE; ACROOSTEOLYSIS, NEUROGENIC; MORVAN DISEASE; NEUROPATHY, CONGENITAL SENSORY; NEUROPATHY, HEREDITARY SENSORY RADICULAR, AUTOSOMAL RECESSIVE. Identifiers: Orphanet 970, MedGen C2752089, MONDO:0024309, OMIM 201300.
Generalized epilepsy with febrile seizures plus, type 7 (GEFSP7). Also called: GEFS+, TYPE 7. Identifiers: Orphanet 36387, MedGen C2751778, MONDO:0013470, OMIM 613863.

Allele frequency attached by ClinVar (database versions not stated): gnomAD exomes below 0.00001; gnomAD 0.00002 and 0.00003; TOPMed 0.00002.
gnomAD v4.1: 3 of 1,595,336 alleles (0.00019%); highest among the groups gnomAD compares: African/African-American, 0.0041%; no homozygotes.

Submissions (2):

Labcorp Genetics (formerly Invitae), Labcorp
Classification: Uncertain significance for Neuropathy, hereditary sensory and autonomic, type 2A; Generalized epilepsy with febrile seizures plus, type 7. Last evaluated: 2025-12-30. Review status: criteria provided, single submitter. Criteria: Invitae Variant Classification Sherloc (09022015). Collection method: clinical testing. Allele origin: germline.
Comment: This sequence change replaces alanine, which is neutral and non-polar, with glutamic acid, which is acidic and polar, at codon 1002 of the SCN9A protein (p.Ala1002Glu). The frequency data for this variant in the population databases is considered unreliable, as metrics indicate poor data quality at this position in the gnomAD database. This variant has not been reported in the literature in individuals affected with SCN9A-related conditions. ClinVar contains an entry for this variant (Variation ID: 1018788). Invitae Evidence Modeling of protein sequence and biophysical properties (such as structural, functional, and spatial information, amino acid conservation, physicochemical variation, residue mobility, and thermodynamic stability) indicates that this missense variant is not expected to disrupt SCN9A protein function with a negative predictive value of 95%. In summary, the available evidence is currently insufficient to determine the role of this variant in disease. Therefore, it has been classified as a Variant of Uncertain Significance.

GeneDx
Classification: Uncertain significance. Last evaluated: 2019-09-10. Review status: criteria provided, single submitter. Criteria: GeneDx Variant Classification Process June 2021. Collection method: clinical testing. Allele origin: germline. Affected: yes.
Comment: In silico analysis, which includes protein predictors and evolutionary conservation, supports that this variant does not alter protein structure/function; Has not been previously published as pathogenic or benign to our knowledge

NM_001365536.1(SCN9A):c.3038C>A (p.Ala1013Glu)

Genes: SCN9A (sodium voltage-gated channel alpha subunit 9; minus strand), SCN1A-AS1 (SCN1A and SCN9A antisense RNA 1; plus strand). Cytogenetic location: 2q24.3.
Variant type: single nucleotide variant.
Coding change: c.3038C>A on transcript NM_001365536.1 (MANE Select); coding-DNA position 3038, C replaced by A.
Protein change: p.Ala1013Glu; replaces alanine 1013 with glutamic acid.
Molecular consequence: missense variant.
Genome position (GRCh38, 1-based): chr2:166,272,712, G>T on the plus strand (C>A on the coding strand, the complement: SCN9A is on the minus strand). VCF-style: chr2-166272712-G-T. GRCh37 (hg19) VCF-style: chr2-167129222-G-T.
Other names: c.3005C>A, p.Ala1002Glu (NM_002977.4); short protein forms A1002E, A1013E.
Identifiers: ClinVar variation 1018788 (VCV001018788.10), dbSNP rs202153871, ClinGen allele CA59791707.